The following is an entry in ClinVar:

NM_000059.4(BRCA2):c.96del (p.Phe32fs)

Gene: BRCA2 (BRCA2 DNA repair associated; plus strand). Cytogenetic location: 13q13.1.
Variant type: Deletion.
Coding change: c.96del on transcript NM_000059.4 (MANE Select); coding-DNA position 96, one base deleted (T; older notation c.96delT).
Protein change: p.Phe32fs; shifts the reading frame from phenylalanine 32.
Molecular consequence: frameshift variant.
Genome position (GRCh38, 1-based): chr13:32,319,105, T deleted; the last of 3 consecutive T bases (chr13:32,319,103-32,319,105); deleting any one gives the same sequence. VCF-style (leftmost placement, unchanged base first): chr13-32319102-GT-G. GRCh37 (hg19) VCF-style: chr13-32893239-GT-G.
Other names: c.96delT, p.Phe32Leufs (NM_001406719.1, NM_001406720.1, NM_001406721.1); c.-274delT (NM_001406722.1); short protein forms F32fs.
Identifiers: ClinVar variation 1767888 (VCV001767888.2), dbSNP rs2548511144, ClinGen allele CA2580087057.

ClinVar aggregate classification (germline): Pathogenic (1 of 4 stars; one submission).

Conditions:
Hereditary cancer-predisposing syndrome. Also called: Hereditary Cancer Syndrome; Hereditary neoplastic syndrome; Neoplastic Syndromes, Hereditary; Tumor predisposition. Identifiers: Orphanet 140162, MedGen C0027672, MeSH D009386, MONDO:0015356.

Submission:

Ambry Genetics
Classification: Pathogenic for Hereditary cancer-predisposing syndrome. Last evaluated: 2021-06-23. Review status: criteria provided, single submitter. Criteria: Ambry Variant Classification Scheme 2023. Collection method: clinical testing. Allele origin: germline.
Comment: The c.96delT pathogenic mutation, located in coding exon 2 of the BRCA2 gene, results from a deletion of one nucleotide at nucleotide position 96, causing a translational frameshift with a predicted alternate stop codon (p.F32Lfs*48). This alteration is expected to result in loss of function by premature protein truncation or nonsense-mediated mRNA decay. As such, this alteration is interpreted as a disease-causing mutation.